The following is an entry in ClinVar:

ClinVar aggregate classification (germline): Pathogenic (1 of 4 stars; one submission).

Allele frequency attached by ClinVar (database versions not stated): TOPMed 0.00001.

Submission:

Labcorp Genetics (formerly Invitae), Labcorp
Classification: Pathogenic. Last evaluated: 2023-11-30. Review status: criteria provided, single submitter. Criteria: Invitae Variant Classification Sherloc (09022015). Collection method: clinical testing. Allele origin: germline.
Comment: This sequence change creates a premature translational stop signal (p.Glu1491*) in the PCNT gene. It is expected to result in an absent or disrupted protein product. Loss-of-function variants in PCNT are known to be pathogenic (PMID: 18174396, 22821869). This variant is not present in population databases (gnomAD no frequency). This variant has not been reported in the literature in individuals affected with PCNT-related conditions. For these reasons, this variant has been classified as Pathogenic.

Literature cited by the submitters: PubMed 18174396; PubMed 22821869.

NM_006031.6(PCNT):c.4471G>T (p.Glu1491Ter)

Gene: PCNT (pericentrin; plus strand). Cytogenetic location: 21q22.3.
Variant type: single nucleotide variant.
Coding change: c.4471G>T on transcript NM_006031.6 (MANE Select); coding-DNA position 4471, G replaced by T.
Protein change: p.Glu1491Ter; replaces glutamic acid 1491 with a stop codon.
Molecular consequence: nonsense.
Genome position (GRCh38, 1-based): chr21:46,398,038, G>T. VCF-style: chr21-46398038-G-T. GRCh37 (hg19) VCF-style: chr21-47817952-G-T.
Other names: c.4117G>T, p.Glu1373Ter (NM_001315529.2); short protein forms E1373*, E1491*.
Identifiers: ClinVar variation 2798703 (VCV002798703.3), dbSNP rs1016587396, ClinGen allele CA410579213.